The following is an entry in ClinVar:

NM_000117.3(EMD):c.188-18C>G

Gene: EMD (emerin; plus strand). Cytogenetic location: Xq28.
Variant type: single nucleotide variant.
Coding change: c.188-18C>G on transcript NM_000117.3 (MANE Select); 18 bases into the intron before coding-DNA position 188, C replaced by G.
Molecular consequence: intron variant.
Genome position (GRCh38, 1-based): chrX:154,379,924, C>G. VCF-style: chrX-154379924-C-G. GRCh37 (hg19) VCF-style: chrX-153608284-C-G.
Identifiers: ClinVar variation 381001 (VCV000381001.9), dbSNP rs376439797, ClinGen allele CA10561540.
Genomic context (GRCh38, chrX:154,379,924, plus strand): 5'-GCCGGTCGAGAGCGGCACTGGAGAAAGGGGAGGGAAGTCTGGGGGGGCAAACAGTTCTGT[C>G]TCCTCCTTTCAATCCAGACTTGAATTCGACTAGAGGGGATGCAGATATGTATGATCTTCC-3'

ClinVar aggregate classification (germline): Likely benign. Review status: criteria provided, multiple submitters, no conflicts (2 of 4 stars). 2 submissions from 2 submitters: Likely benign (2). Last evaluated 2025-12-20.

Conditions:
X-linked Emery-Dreifuss muscular dystrophy. Also called: Muscular dystrophy, tardive Emery-Dreifuss type, with contractures. Identifiers: Orphanet 261, Orphanet 98863, MedGen C0751337, MONDO:0010680.

Allele frequency attached by ClinVar (database versions not stated): ExAC 0.00002; gnomAD exomes 0.00003; ESP Exome Variant Server 0.00009; gnomAD 0.00009; TOPMed 0.00010.

Submissions (2):

Labcorp Genetics (formerly Invitae), Labcorp
Classification: Likely benign for X-linked Emery-Dreifuss muscular dystrophy. Last evaluated: 2025-12-20. Review status: criteria provided, single submitter. Criteria: Invitae Variant Classification Sherloc (09022015). Collection method: clinical testing. Allele origin: germline.

GeneDx
Classification: Likely benign. Last evaluated: 2015-10-12. Review status: criteria provided, single submitter. Criteria: GeneDx Variant Classification (06012015). Collection method: clinical testing. Allele origin: germline. Affected: yes.
Comment: This variant is considered likely benign or benign based on one or more of the following criteria: it is a conservative change, it occurs at a poorly conserved position in the protein, it is predicted to be benign by multiple in silico algorithms, and/or has population frequency not consistent with disease.